The following is an entry in ClinVar:

NM_000245.4(MET):c.3343A>C (p.Ile1115Leu)

Gene: MET (MET proto-oncogene, receptor tyrosine kinase; plus strand). Cytogenetic location: 7q31.2.
Variant type: single nucleotide variant.
Coding change: c.3343A>C on transcript NM_000245.4 (MANE Select); coding-DNA position 3343, A replaced by C.
Protein change: p.Ile1115Leu; replaces isoleucine 1115 with leucine.
Molecular consequence: missense variant.
Genome position (GRCh38, 1-based): chr7:116,778,778, A>C. VCF-style: chr7-116778778-A-C. GRCh37 (hg19) VCF-style: chr7-116418832-A-C.
Other names: c.3397A>C (NM_001127500.1); c.3397A>C, p.Ile1133Leu (NM_001127500.3); c.2053A>C, p.Ile685Leu (NM_001324402.2); short protein forms I1133L, I1115L, I685L.
Identifiers: ClinVar variation 1497643 (VCV001497643.9), dbSNP rs2117044727, ClinGen allele CA368989944.

ClinVar aggregate classification (germline): Uncertain significance. Review status: criteria provided, multiple submitters, no conflicts (2 of 4 stars). 3 submissions from 3 submitters: Uncertain significance (3). Last evaluated 2025-10-25.

Conditions:
Hereditary cancer-predisposing syndrome. Also called: Tumor predisposition; Hereditary neoplastic syndrome; Neoplastic Syndromes, Hereditary; Hereditary Cancer Syndrome. Identifiers: Orphanet 140162, MedGen C0027672, MeSH D009386, MONDO:0015356.
Renal cell carcinoma. Identifiers: Orphanet 217071, MedGen C0007134, MeSH D002292, MONDO:0005086, HP:0005584.

Submissions (3):

Ambry Genetics
Classification: Uncertain significance for Hereditary cancer-predisposing syndrome. Last evaluated: 2025-10-25. Review status: criteria provided, single submitter. Criteria: Ambry Variant Classification Scheme 2023. Collection method: clinical testing. Allele origin: germline.
Comment: The p.I1133L variant (also known as c.3397A>C), located in coding exon 16 of the MET gene, results from an A to C substitution at nucleotide position 3397. The isoleucine at codon 1133 is replaced by leucine, an amino acid with highly similar properties. This amino acid position is conserved. In addition, the in silico prediction for this alteration is inconclusive. Since supporting evidence is limited at this time, the clinical significance of this alteration remains unclear.

Labcorp Genetics (formerly Invitae), Labcorp
Classification: Uncertain significance for Renal cell carcinoma. Last evaluated: 2024-05-15. Review status: criteria provided, single submitter. Criteria: Invitae Variant Classification Sherloc (09022015). Collection method: clinical testing. Allele origin: germline.
Comment: This sequence change replaces isoleucine, which is neutral and non-polar, with leucine, which is neutral and non-polar, at codon 1133 of the MET protein (p.Ile1133Leu). This variant is not present in population databases (gnomAD no frequency). This variant has not been reported in the literature in individuals affected with MET-related conditions. ClinVar contains an entry for this variant (Variation ID: 1497643). An algorithm developed to predict the effect of missense changes on protein structure and function (PolyPhen-2) suggests that this variant is likely to be tolerated. In summary, the available evidence is currently insufficient to determine the role of this variant in disease. Therefore, it has been classified as a Variant of Uncertain Significance.

GeneDx
Classification: Uncertain significance. Last evaluated: 2023-06-07. Review status: criteria provided, single submitter. Criteria: GeneDx Variant Classification Process June 2021. Collection method: clinical testing. Allele origin: germline. Affected: yes.
Comment: Not observed at significant frequency in large population cohorts (gnomAD); In silico analysis supports that this missense variant does not alter protein structure/function; Has not been previously published as pathogenic or benign to our knowledge